The following is an entry in ClinVar:

NM_014264.5(PLK4):c.2591C>A (p.Thr864Lys)

Gene: PLK4 (polo like kinase 4; plus strand). Cytogenetic location: 4q28.1.
Variant type: single nucleotide variant.
Coding change: c.2591C>A on transcript NM_014264.5 (MANE Select); coding-DNA position 2591, C replaced by A.
Protein change: p.Thr864Lys; replaces threonine 864 with lysine.
Molecular consequence: missense variant.
Genome position (GRCh38, 1-based): chr4:127,894,981, C>A. VCF-style: chr4-127894981-C-A. GRCh37 (hg19) VCF-style: chr4-128816136-C-A.
Other names: c.2495C>A, p.Thr832Lys (NM_001190799.2); c.2468C>A, p.Thr823Lys (NM_001190801.2); c.2591C>A (NM_014264.4); short protein forms T823K, T832K, T864K.
Identifiers: ClinVar variation 1038519 (VCV001038519.6), dbSNP rs771379731, ClinGen allele CA3077103.

ClinVar aggregate classification (germline): Uncertain significance. Review status: criteria provided, multiple submitters, no conflicts (2 of 4 stars). 2 submissions from 2 submitters: Uncertain significance (2). Last evaluated 2024-06-17.

Conditions:
Inborn genetic diseases. Identifiers: MedGen C0950123, MeSH D030342.

Allele frequency attached by ClinVar (database versions not stated): gnomAD 0.00001; TOPMed 0.00001; gnomAD exomes 0.00002; ExAC 0.00003.
gnomAD v4.1: 48 of 1,604,788 alleles (0.003%); highest among the groups gnomAD compares: Middle Eastern, 0.083%; no homozygotes.

Submissions (2):

Ambry Genetics
Classification: Uncertain significance for Inborn genetic diseases. Last evaluated: 2024-06-17. Review status: criteria provided, single submitter. Criteria: Ambry Variant Classification Scheme 2023. Collection method: clinical testing. Allele origin: germline.

Labcorp Genetics (formerly Invitae), Labcorp
Classification: Uncertain significance. Last evaluated: 2022-07-19. Review status: criteria provided, single submitter. Criteria: Invitae Variant Classification Sherloc (09022015). Collection method: clinical testing. Allele origin: germline.
Comment: Algorithms developed to predict the effect of missense changes on protein structure and function (SIFT, PolyPhen-2, Align-GVGD) all suggest that this variant is likely to be tolerated. In summary, the available evidence is currently insufficient to determine the role of this variant in disease. Therefore, it has been classified as a Variant of Uncertain Significance. ClinVar contains an entry for this variant (Variation ID: 1038519). This variant has not been reported in the literature in individuals affected with PLK4-related conditions. This variant is present in population databases (rs771379731, gnomAD 0.005%). This sequence change replaces threonine, which is neutral and polar, with lysine, which is basic and polar, at codon 864 of the PLK4 protein (p.Thr864Lys).